The following is an entry in ClinVar:

NM_152269.5(MTRFR):c.337C>G (p.Gln113Glu)

Gene: MTRFR (mitochondrial translation release factor in rescue; plus strand). Cytogenetic location: 12q24.31.
Variant type: single nucleotide variant.
Coding change: c.337C>G on transcript NM_152269.5 (MANE Select); coding-DNA position 337, C replaced by G.
Protein change: p.Gln113Glu; replaces glutamine 113 with glutamic acid.
Molecular consequence: missense variant.
Genome position (GRCh38, 1-based): chr12:123,256,867, C>G. VCF-style: chr12-123256867-C-G. GRCh37 (hg19) VCF-style: chr12-123741414-C-G.
Other names: c.337C>G, p.Gln113Glu (NM_001143905.2, NM_001194995.1); short protein forms Q113E.
Identifiers: ClinVar variation 4849193 (VCV004849193.1).
Genomic context (GRCh38, chr12:123,256,867, plus strand): 5'-TTACAGTGCCATCAGACAAGATCAGTTGATCAGAACAGAAAGCTAGCTCGGAAAATCCTA[C>G]AAGAGAAAGTAGATGTTTTCTACAATGGTGAAAACAGTCCTGTTCACAAAGAAAAACGAG-3'
Protein context (NP_689482.1, residues 103-123): QNRKLARKIL[Gln113Glu]EKVDVFYNGE

ClinVar aggregate classification (germline): Uncertain significance (1 of 4 stars; one submission).

Submission:

Women's Health and Genetics/Laboratory Corporation of America, LabCorp
Classification: Uncertain significance. Last evaluated: 2026-04-21. Review status: criteria provided, single submitter. Criteria: LabCorp Variant Classification Summary - May 2015. Collection method: clinical testing. Allele origin: germline.
Comment: Variant summary: MTRFR c.337C>G (p.Gln113Glu) results in a conservative amino acid change in the encoded protein sequence. Algorithms developed to predict the effect of missense changes on protein structure and function are either unavailable or do not agree on the potential impact of this missense change. The variant was absent in 1613932 control chromosomes. The available data on variant occurrences in the general population are insufficient to allow any conclusion about variant significance. To our knowledge, no occurrence of c.337C>G in individuals affected with MTRFR-related conditions and no experimental evidence demonstrating its impact on protein function have been reported. No submitters have cited clinical-significance assessments for this variant to ClinVar. Based on the evidence outlined above, the variant was classified as uncertain significance.